The following is an entry in ClinVar:

NM_013275.6(ANKRD11):c.398-4G>A

Gene: ANKRD11 (ankyrin repeat domain 11; minus strand). Cytogenetic location: 16q24.3.
Variant type: single nucleotide variant.
Coding change: c.398-4G>A on transcript NM_013275.6 (MANE Select); 4 bases into the intron before coding-DNA position 398, G replaced by A.
Molecular consequence: intron variant.
Genome position (GRCh38, 1-based): chr16:89,290,832, C>T on the plus strand (G>A on the coding strand, the complement: ANKRD11 is on the minus strand). VCF-style: chr16-89290832-C-T. GRCh37 (hg19) VCF-style: chr16-89357240-C-T.
Other names: c.398-4G>A (NM_001256183.2, NM_001256182.2, NM_013275.5).
Identifiers: ClinVar variation 1736722 (VCV001736722.8), dbSNP rs773887615, ClinGen allele CA286527165.
Genomic context (GRCh38, chr16:89,290,832, plus strand): 5'-TGGGCGTTCCCTTCTGACACACTGTAGACTGGGAGGGGTGCTTTGGTGTTGTGTCCACTG[C>T]AGGCCAAGGAGGGGACAGATGGGCATTACTGTGGGGTGGTCCTGCTTTGTCCAATCTTCA-3'

ClinVar aggregate classification (germline): Likely benign. Review status: criteria provided, multiple submitters, no conflicts (2 of 4 stars). 4 submissions from 4 submitters: Likely benign (3). 1 of the submissions does not count toward it. Last evaluated 2025-02-20.

Conditions:
Inborn genetic diseases. Identifiers: MedGen C0950123, MeSH D030342.
KBG syndrome (KBGS). Also called: ANKRD11-Related KBG Syndrome. Identifiers: Orphanet 2332, MedGen C0220687, MONDO:0007846, OMIM 148050.
ANKRD11-related disorder. Also called: ANKRD11-related condition.

Allele frequency attached by ClinVar (database versions not stated): TOPMed 0.00001; gnomAD 0.00002.
gnomAD v4.1: 32 of 1,613,342 alleles (0.002%); highest among the groups gnomAD compares: Non-Finnish European, 0.0024%; no homozygotes.

Submissions (4):

Labcorp Genetics (formerly Invitae), Labcorp
Classification: Likely benign for KBG syndrome. Last evaluated: 2025-02-20. Review status: criteria provided, single submitter. Criteria: Invitae Variant Classification Sherloc (09022015). Collection method: clinical testing. Allele origin: germline.

Blueprint Genetics
Classification: Likely benign. Last evaluated: 2023-09-15. Review status: criteria provided, single submitter. Criteria: ACMG Guidelines, 2015. Collection method: clinical testing. Allele origin: germline.

Ambry Genetics
Classification: Likely benign for Inborn genetic diseases. Last evaluated: 2019-07-11. Review status: criteria provided, single submitter. Criteria: Ambry Variant Classification Scheme 2023. Collection method: clinical testing. Allele origin: germline.

PreventionGenetics, part of Exact Sciences
Classification: Likely benign for ANKRD11-related condition. Last evaluated: 2023-02-13. Review status: no assertion criteria provided. Collection method: clinical testing. Allele origin: germline. Not counted in ClinVar's aggregate classification.
Comment: This variant is classified as likely benign based on ACMG/AMP sequence variant interpretation guidelines (Richards et al. 2015 PMID: 25741868, with internal and published modifications).